The following is an entry in ClinVar:

NM_000038.6(APC):c.193C>T (p.Gln65Ter)

Gene: APC (APC regulator of Wnt signaling pathway; plus strand). Cytogenetic location: 5q22.2.
Variant type: single nucleotide variant.
Coding change: c.193C>T on transcript NM_000038.6 (MANE Select); coding-DNA position 193, C replaced by T.
Protein change: p.Gln65Ter; replaces glutamine 65 with a stop codon.
Molecular consequence: nonsense. On other transcripts: 5 prime UTR variant (4), non-coding transcript variant (2).
Genome position (GRCh38, 1-based): chr5:112,766,383, C>T. VCF-style: chr5-112766383-C-T. GRCh37 (hg19) VCF-style: chr5-112102080-C-T.
Other names: c.193C>T, p.Gln65Ter (NM_001127510.3, NM_001354895.2, NM_001354896.2 and 16 more transcripts); c.223C>T, p.Gln75Ter (NM_001127511.3, NM_001354897.2, NM_001354902.2 and 1 more transcripts); c.118C>T, p.Gln40Ter (NM_001354898.2, NM_001354904.2, NM_001407451.1); c.16C>T, p.Gln6Ter (NM_001354900.2, NM_001354901.2, NM_001354905.2 and 1 more transcripts); c.-843C>T (NM_001354906.2, NM_001407470.1, NM_001407471.1 and 1 more transcripts); short protein forms Q40*, Q6*, Q65*, Q75*.
Identifiers: ClinVar variation 2583876 (VCV002583876.2), dbSNP rs863225320, ClinGen allele CA16021764.

ClinVar aggregate classification (germline): Pathogenic (1 of 4 stars; one submission).

Conditions:
Familial adenomatous polyposis 1 (FAP1). Also called: FAMILIAL ADENOMATOUS POLYPOSIS 1, ATTENUATED; POLYPOSIS, ADENOMATOUS INTESTINAL. Identifiers: MedGen C2713442, MONDO:0021056, OMIM 175100. Disease mechanism: loss of function.

Allele frequency attached by ClinVar (database versions not stated): gnomAD exomes below 0.00001.
gnomAD v4.1: 1 of 1,611,736 alleles (0.000062%); highest among the groups gnomAD compares: Non-Finnish European, 0.000085%; no homozygotes.

Submission:

Myriad Genetics, Inc.
Classification: Pathogenic for Familial adenomatous polyposis 1. Last evaluated: 2023-04-24. Review status: criteria provided, single submitter. Criteria: Myriad Autosomal Dominant, Autosomal Recessive and X-Linked Classification Criteria (2023). Collection method: clinical testing. Allele origin: unknown.
Comment: This variant is considered pathogenic. This variant creates a termination codon and is predicted to result in premature protein truncation.